The following is an entry in ClinVar:

NM_002439.5(MSH3):c.971C>T (p.Ser324Leu)

Genes: MSH3 (mutS homolog 3; plus strand), LOC126807437 (MED14-independent group 3 enhancer GRCh37_chr5:79968379-79969578; plus strand). Cytogenetic location: 5q14.1.
Variant type: single nucleotide variant.
Coding change: c.971C>T on transcript NM_002439.5 (MANE Select); coding-DNA position 971, C replaced by T.
Protein change: p.Ser324Leu; replaces serine 324 with leucine.
Molecular consequence: missense variant.
Genome position (GRCh38, 1-based): chr5:80,672,802, C>T. VCF-style: chr5-80672802-C-T. GRCh37 (hg19) VCF-style: chr5-79968621-C-T.
Other names: short protein forms S324L.
Identifiers: ClinVar variation 664608 (VCV000664608.14), dbSNP rs887040509, ClinGen allele CA121294269.
Genomic context (GRCh38, chr5:80,672,802, plus strand): 5'-TGGGAGTTGTGAAGCAAACTGAAACTGCAGCATTAAAGGCCATTGGAGACAACAGAAGTT[C>T]ACTCTTTTCCCGGAAATTGACTGCCCTTTATACAAAATCTACACTTATTGGAGAAGATAT-3'
Protein context (NP_002430.3, residues 314-334): ALKAIGDNRS[Ser324Leu]LFSRKLTALY

ClinVar aggregate classification (germline): Uncertain significance. Review status: criteria provided, multiple submitters, no conflicts (2 of 4 stars). 2 submissions from 2 submitters: Uncertain significance (2). Last evaluated 2025-09-27.

Conditions:
Hereditary cancer-predisposing syndrome. Also called: Tumor predisposition; Hereditary neoplastic syndrome; Neoplastic Syndromes, Hereditary; Hereditary Cancer Syndrome. Identifiers: Orphanet 140162, MedGen C0027672, MeSH D009386, MONDO:0015356.

Allele frequency attached by ClinVar (database versions not stated): TOPMed below 0.00001.
gnomAD v4.1: 2 of 1,614,104 alleles (0.00012%); highest among the groups gnomAD compares: Non-Finnish European, 0.00017%; no homozygotes.

Submissions (2):

Labcorp Genetics (formerly Invitae), Labcorp
Classification: Uncertain significance. Last evaluated: 2025-09-27. Review status: criteria provided, single submitter. Criteria: Invitae Variant Classification Sherloc (09022015). Collection method: clinical testing. Allele origin: germline.
Comment: This sequence change replaces serine, which is neutral and polar, with leucine, which is neutral and non-polar, at codon 324 of the MSH3 protein (p.Ser324Leu). This variant is not present in population databases (gnomAD no frequency). This variant has not been reported in the literature in individuals affected with MSH3-related conditions. ClinVar contains an entry for this variant (Variation ID: 664608). An algorithm developed to predict the effect of missense changes on protein structure and function (PolyPhen-2) suggests that this variant is likely to be tolerated. In summary, the available evidence is currently insufficient to determine the role of this variant in disease. Therefore, it has been classified as a Variant of Uncertain Significance.

Ambry Genetics
Classification: Uncertain significance for Hereditary cancer-predisposing syndrome. Last evaluated: 2024-06-30. Review status: criteria provided, single submitter. Criteria: Ambry Variant Classification Scheme 2023. Collection method: clinical testing. Allele origin: germline.
Comment: The p.S324L variant (also known as c.971C>T), located in coding exon 6 of the MSH3 gene, results from a C to T substitution at nucleotide position 971. The serine at codon 324 is replaced by leucine, an amino acid with dissimilar properties. This amino acid position is not well conserved in available vertebrate species. In addition, the in silico prediction for this alteration is inconclusive. Since supporting evidence is limited at this time, the clinical significance of this alteration remains unclear.